The following is an entry in ClinVar:

NM_172250.3(MMAA):c.1156C>T (p.Arg386Trp)

Gene: MMAA (metabolism of cobalamin associated A; plus strand). Cytogenetic location: 4q31.21.
Variant type: single nucleotide variant.
Coding change: c.1156C>T on transcript NM_172250.3 (MANE Select); coding-DNA position 1156, C replaced by T.
Protein change: p.Arg386Trp; replaces arginine 386 with tryptophan.
Molecular consequence: missense variant.
Genome position (GRCh38, 1-based): chr4:145,655,333, C>T. VCF-style: chr4-145655333-C-T. GRCh37 (hg19) VCF-style: chr4-146576485-C-T.
Other names: c.1156C>T, p.Arg386Trp (NM_001375644.1); short protein forms R386W.
Identifiers: ClinVar variation 2141386 (VCV002141386.3), dbSNP rs374622922, ClinGen allele CA3095368.

ClinVar aggregate classification (germline): Uncertain significance. Review status: criteria provided, multiple submitters, no conflicts (2 of 4 stars). 2 submissions from 2 submitters: Uncertain significance (2). Last evaluated 2025-12-15.

Conditions:
Methylmalonic aciduria, cblA type (MACA). Also called: Methylmalonic aciduria, vitamin b12-responsive, due to defect in synthesis of adenosylcobalamin, cbla complementation type; MMA cbl A type; Methylmalonic acidemia cblA type; Methylmalonic aciduria, vitamin B12-responsive; Vitamin B12-responsive methylmalonic acidemia type cblA. Identifiers: Orphanet 28, Orphanet 79310, MedGen C1855109, MONDO:0009613, OMIM 251100.

Allele frequency attached by ClinVar (database versions not stated): ExAC 0.00002; gnomAD 0.00007; TOPMed 0.00007; ESP Exome Variant Server 0.00015.
gnomAD v4.1: 183 of 1,614,006 alleles (0.011%); highest among the groups gnomAD compares: Non-Finnish European, 0.014%; no homozygotes.

Submissions (2):

Labcorp Genetics (formerly Invitae), Labcorp
Classification: Uncertain significance for Methylmalonic aciduria, cblA type. Last evaluated: 2025-12-15. Review status: criteria provided, single submitter. Criteria: Invitae Variant Classification Sherloc (09022015). Collection method: clinical testing. Allele origin: germline.
Comment: This sequence change replaces arginine, which is basic and polar, with tryptophan, which is neutral and slightly polar, at codon 386 of the MMAA protein (p.Arg386Trp). This variant is present in population databases (rs374622922, gnomAD 0.02%). This variant has not been reported in the literature in individuals affected with MMAA-related conditions. ClinVar contains an entry for this variant (Variation ID: 2141386). Invitae Evidence Modeling of protein sequence and biophysical properties (such as structural, functional, and spatial information, amino acid conservation, physicochemical variation, residue mobility, and thermodynamic stability) indicates that this missense variant is not expected to disrupt MMAA protein function with a negative predictive value of 80%. In summary, the available evidence is currently insufficient to determine the role of this variant in disease. Therefore, it has been classified as a Variant of Uncertain Significance.

Blueprint Genetics
Classification: Uncertain significance. Last evaluated: 2022-01-12. Review status: criteria provided, single submitter. Criteria: ACMG Guidelines, 2015. Collection method: clinical testing. Allele origin: germline.